The following is an entry in ClinVar:

NM_001036.6(RYR3):c.1400G>A (p.Arg467His)

Gene: RYR3 (ryanodine receptor 3; plus strand). Cytogenetic location: 15q14.
Variant type: single nucleotide variant.
Coding change: c.1400G>A on transcript NM_001036.6 (MANE Select); coding-DNA position 1400, G replaced by A.
Protein change: p.Arg467His; replaces arginine 467 with histidine.
Molecular consequence: missense variant.
Genome position (GRCh38, 1-based): chr15:33,580,107, G>A. VCF-style: chr15-33580107-G-A. GRCh37 (hg19) VCF-style: chr15-33872308-G-A.
Other names: c.1400G>A, p.Arg467His (NM_001243996.4); short protein forms R467H.
Identifiers: ClinVar variation 531018 (VCV000531018.8), dbSNP rs1252434951, ClinGen allele CA391568623.
Genomic context (GRCh38, chr15:33,580,107, plus strand): 5'-TCGCCTACTTCCAGCCCCCAGAGGAGGAGATGCGACATGAAGACAAGCAGAACAAGCTCC[G>A]CTCACTCAAAAACAGACAAAATCTTTTCAAGGAAGAGGTAAGTCGAAAAATGAAAAGTTG-3'
Protein context (NP_001027.3, residues 457-477): MRHEDKQNKL[Arg467His]SLKNRQNLFK

ClinVar aggregate classification (germline): Uncertain significance (1 of 4 stars; one submission).

Conditions:
Epileptic encephalopathy. Identifiers: MedGen C0543888, HP:0200134.

Allele frequency attached by ClinVar (database versions not stated): TOPMed 0.00001; gnomAD exomes below 0.00001.
gnomAD v4.1: 6 of 1,611,698 alleles (0.00037%); highest among the groups gnomAD compares: South Asian, 0.0011%; no homozygotes.

Submission:

Labcorp Genetics (formerly Invitae), Labcorp
Classification: Uncertain significance for Epileptic encephalopathy. Last evaluated: 2022-08-23. Review status: criteria provided, single submitter. Criteria: Invitae Variant Classification Sherloc (09022015). Collection method: clinical testing. Allele origin: germline.
Comment: In summary, the available evidence is currently insufficient to determine the role of this variant in disease. Therefore, it has been classified as a Variant of Uncertain Significance. Algorithms developed to predict the effect of missense changes on protein structure and function are either unavailable or do not agree on the potential impact of this missense change (SIFT: "Deleterious"; PolyPhen-2: "Probably Damaging"; Align-GVGD: "Class C0"). ClinVar contains an entry for this variant (Variation ID: 531018). This variant has not been reported in the literature in individuals affected with RYR3-related conditions. This variant is not present in population databases (gnomAD no frequency). This sequence change replaces arginine, which is basic and polar, with histidine, which is basic and polar, at codon 467 of the RYR3 protein (p.Arg467His).